The following is an entry in ClinVar:

ClinVar aggregate classification (germline): Uncertain significance (1 of 4 stars; one submission).

Submission:

GeneDx
Classification: Uncertain significance. Last evaluated: 2026-04-23. Review status: criteria provided, single submitter. Criteria: GeneDx Variant Classification Process June 2021. Collection method: clinical testing. Allele origin: germline.
Comment: Not observed at significant frequency in large population cohorts (gnomAD); In silico analysis supports that this missense variant has a deleterious effect on protein structure/function; Has not been previously published as pathogenic or benign to our knowledge

NM_014633.5(CTR9):c.1225C>A (p.Pro409Thr)

Genes: CTR9 (CTR9 component of Paf1/RNA polymerase II complex; plus strand), LOC126861140 (CDK7 strongly-dependent group 2 enhancer GRCh37_chr11:10785333-10786532; plus strand). Cytogenetic location: 11p15.4.
Variant type: single nucleotide variant.
Coding change: c.1225C>A on transcript NM_014633.5 (MANE Select); coding-DNA position 1225, C replaced by A.
Protein change: p.Pro409Thr; replaces proline 409 with threonine.
Molecular consequence: missense variant.
Genome position (GRCh38, 1-based): chr11:10,764,142, C>A. VCF-style: chr11-10764142-C-A. GRCh37 (hg19) VCF-style: chr11-10785689-C-A.
Other names: c.1225C>A, p.Pro409Thr (NM_001346279.2); short protein forms P409T.
Identifiers: ClinVar variation 5037630 (VCV005037630.1).
Genomic context (GRCh38, chr11:10,764,142, plus strand): 5'-ACTTCAGCTTAACAATCTCTTTTATCCCAGGGCCATTTGAAGAAGGTCACAGAACAGTAT[C>A]CCGATGATGTTGAAGCTTGGATTGAATTGGCACAAATCTTAGAACAGACTGATATACAGG-3'
Protein context (NP_055448.1, residues 399-419): GHLKKVTEQY[Pro409Thr]DDVEAWIELA